The following is an entry in ClinVar:

ClinVar aggregate classification (germline): Uncertain significance. Review status: criteria provided, multiple submitters, no conflicts (2 of 4 stars). 2 submissions from 2 submitters: Uncertain significance (2). Last evaluated 2024-10-20.

Conditions:
Hereditary cancer-predisposing syndrome. Also called: Hereditary Cancer Syndrome; Hereditary neoplastic syndrome; Tumor predisposition; Neoplastic Syndromes, Hereditary. Identifiers: Orphanet 140162, MedGen C0027672, MeSH D009386, MONDO:0015356.

gnomAD v4.1: 1 of 1,614,128 alleles (0.000062%); highest among the groups gnomAD compares: Non-Finnish European, 0.000085%; no homozygotes.

Submissions (2):

Molecular Diagnostics Laboratory, Catalan Institute of Oncology
Classification: Uncertain significance for Hereditary cancer-predisposing syndrome. Last evaluated: 2024-10-20. Review status: criteria provided, single submitter. Criteria: ACMG Guidelines, 2015. Collection method: clinical testing. Allele origin: germline.
Comment: PM2_Supporting, BP4_Moderate c.248A>G, located in exon 4 of the BRIP1 gene, is predicted to result in the substitution of Gln by Arg at codon 83, p.(Gln83Arg). It is not present in the population database gnomAD v2.1.1, non cancer dataset (PM2_supporting). The SpliceAI algorithm predicts no significant impact on splicing. The REVEL meta-predictor score for this variant (0.065) suggests that it does not affect the protein function according Pejaver 2022 thresholds (PMID: 36413997) (BP4_Moderate). To our knowledge, neither relevant clinical data nor well-stablished functional studies have been reported for this variant. It has only been reported once in ClinVar, as an uncertain significance variant. Based on currently available information, the variant c.248A>G should be considered an uncertain significance variant.

Ambry Genetics
Classification: Uncertain significance for Hereditary cancer-predisposing syndrome. Last evaluated: 2024-09-27. Review status: criteria provided, single submitter. Criteria: Ambry Variant Classification Scheme 2023. Collection method: clinical testing. Allele origin: germline.
Comment: The p.Q83R variant (also known as c.248A>G), located in coding exon 3 of the BRIP1 gene, results from an A to G substitution at nucleotide position 248. The glutamine at codon 83 is replaced by arginine, an amino acid with highly similar properties. This amino acid position is poorly conserved in available vertebrate species. In addition, this alteration is predicted to be tolerated by in silico analysis. Since supporting evidence is limited at this time, the clinical significance of this alteration remains unclear.

NM_032043.3(BRIP1):c.248A>G (p.Gln83Arg)

Gene: BRIP1 (BRCA1 interacting DNA helicase 1; minus strand). Cytogenetic location: 17q23.2.
Variant type: single nucleotide variant.
Coding change: c.248A>G on transcript NM_032043.3 (MANE Select); coding-DNA position 248, A replaced by G.
Protein change: p.Gln83Arg; replaces glutamine 83 with arginine.
Molecular consequence: missense variant.
Genome position (GRCh38, 1-based): chr17:61,857,189, T>C on the plus strand (A>G on the coding strand, the complement: BRIP1 is on the minus strand). VCF-style: chr17-61857189-T-C. GRCh37 (hg19) VCF-style: chr17-59934550-T-C.
Other names: short protein forms Q83R.
Identifiers: ClinVar variation 1792037 (VCV001792037.4), dbSNP rs1383287302, ClinGen allele CA400485539.
Genomic context (GRCh38, chr17:61,857,189, plus strand): 5'-CCTTGGTTCATGTCATTGTTTGTAAAATCCTTTGAATGGCATGCACAACAACATGACAAT[T>C]GTACTTCAGCTTTTTCACTTACGCCCTCATCTGCTGGTTTCCCTAAAAATGAAAGAACAT-3'
Protein context (NP_114432.2, residues 73-93): DEGVSEKAEV[Gln83Arg]LSCCCACHSK